The following is an entry in ClinVar:

ClinVar aggregate classification (germline): Pathogenic (1 of 4 stars; one submission).

Conditions:
Hereditary factor XI deficiency disease. Also called: PLASMA THROMBOPLASTIN ANTECEDENT DEFICIENCY; PTA DEFICIENCY; ROSENTHAL SYNDROME; Congenital factor XI deficiency. Identifiers: Orphanet 329, MedGen C0015523, MeSH D005173, MONDO:0012897, OMIM 612416.

Submission:

Myriad Genetics, Inc.
Classification: Pathogenic for Hereditary factor XI deficiency disease. Last evaluated: 2024-05-14. Review status: criteria provided, single submitter. Criteria: Myriad Autosomal Dominant, Autosomal Recessive and X-Linked Classification Criteria (2023). Collection method: clinical testing. Allele origin: unknown.
Comment: NM_000128.3(F11):c.784_785delAG(S262Wfs*8) is expected to be pathogenic in the context of factor XI deficiency. This variant is predicted to lead to an abnormal or absent protein product due to the creation of a premature termination codon in F11, a gene where loss-of-function variants are known to be pathogenic. Please note: this variant was assessed in the context of healthy population screening.

NM_000128.4(F11):c.784_785del (p.Ser262fs)

Gene: F11 (coagulation factor XI; plus strand). Cytogenetic location: 4q35.2.
Variant type: Microsatellite.
Coding change: c.784_785del on transcript NM_000128.4 (MANE Select); coding-DNA positions 784 to 785, 2 bases deleted (AG; older notation c.784_785delAG).
Protein change: p.Ser262fs; shifts the reading frame from serine 262.
Molecular consequence: frameshift variant.
Genome position (GRCh38, 1-based): chr4:186,280,040-186,280,041, AG deleted; deleting any 2 consecutive bases within chr4:186,280,037-186,280,041 gives the same sequence; the c. name uses the placement nearest the transcript's 3' end. VCF-style (leftmost placement, unchanged base first): chr4-186280036-TGA-T. GRCh37 (hg19) VCF-style: chr4-187201190-TGA-T.
Other names: c.784_785del, p.Ser262fs (NM_001440590.1, NM_001440593.1, NM_001440596.1); c.514_515del, p.Ser172fs (NM_001440605.1, NM_001440606.1, NM_001440607.1 and 1 more transcripts); short protein forms S172fs, S262fs.
Identifiers: ClinVar variation 5013090 (VCV005013090.1).